The following is an entry in ClinVar:

NM_016169.4(SUFU):c.34C>T (p.Pro12Ser)

Genes: SUFU (SUFU negative regulator of hedgehog signaling; plus strand), LOC130004614 (ATAC-STARR-seq lymphoblastoid silent region 2764; plus strand). Cytogenetic location: 10q24.32.
Variant type: single nucleotide variant.
Coding change: c.34C>T on transcript NM_016169.4 (MANE Select); coding-DNA position 34, C replaced by T.
Protein change: p.Pro12Ser; replaces proline 12 with serine.
Molecular consequence: missense variant.
Genome position (GRCh38, 1-based): chr10:102,504,186, C>T. VCF-style: chr10-102504186-C-T. GRCh37 (hg19) VCF-style: chr10-104263943-C-T.
Other names: c.34C>T, p.Pro12Ser (NM_001178133.2); short protein forms P12S.
Identifiers: ClinVar variation 2921792 (VCV002921792.3), dbSNP rs2544830097, ClinGen allele CA377886176.

ClinVar aggregate classification (germline): Uncertain significance (1 of 4 stars; one submission).

Conditions:
Gorlin syndrome. Also called: Nevoid Basal Cell Carcinoma Syndrome; Basal cell nevus syndrome. Identifiers: Orphanet 377, MedGen C0004779, MONDO:0007187.
Medulloblastoma (MDB). Also called: Medulloblastoma, somatic; MEDULLOBLASTOMA PREDISPOSITION SYNDROME. Identifiers: Orphanet 616, MedGen C0025149, MeSH D008527, MONDO:0007959, OMIM 155255, HP:0002885.

Allele frequency attached by ClinVar (database versions not stated): gnomAD exomes below 0.00001.
gnomAD v4.1: 1 of 1,552,362 alleles (0.000064%); highest among the groups gnomAD compares: Non-Finnish European, 0.000087%; no homozygotes.

Submission:

Labcorp Genetics (formerly Invitae), Labcorp
Classification: Uncertain significance for Gorlin syndrome; Medulloblastoma. Last evaluated: 2024-04-10. Review status: criteria provided, single submitter. Criteria: Invitae Variant Classification Sherloc (09022015). Collection method: clinical testing. Allele origin: germline.
Comment: This sequence change replaces proline, which is neutral and non-polar, with serine, which is neutral and polar, at codon 12 of the SUFU protein (p.Pro12Ser). This variant is not present in population databases (gnomAD no frequency). This variant has not been reported in the literature in individuals affected with SUFU-related conditions. An algorithm developed to predict the effect of missense changes on protein structure and function (PolyPhen-2) suggests that this variant is likely to be disruptive. In summary, the available evidence is currently insufficient to determine the role of this variant in disease. Therefore, it has been classified as a Variant of Uncertain Significance.